The following is an entry in ClinVar:

NM_020184.4(CNNM4):c.1926G>A (p.Met642Ile)

Gene: CNNM4 (cyclin and CBS domain divalent metal cation transport mediator 4; plus strand). Cytogenetic location: 2q11.2.
Variant type: single nucleotide variant.
Coding change: c.1926G>A on transcript NM_020184.4 (MANE Select); coding-DNA position 1926, G replaced by A.
Protein change: p.Met642Ile; replaces methionine 642 with isoleucine.
Molecular consequence: missense variant.
Genome position (GRCh38, 1-based): chr2:96,799,626, G>A. VCF-style: chr2-96799626-G-A. GRCh37 (hg19) VCF-style: chr2-97465363-G-A.
Other names: short protein forms M642I.
Identifiers: ClinVar variation 2083429 (VCV002083429.4), dbSNP rs2079140453, ClinGen allele CA347705600.

ClinVar aggregate classification (germline): Uncertain significance (1 of 4 stars; one submission).

Allele frequency attached by ClinVar (database versions not stated): gnomAD exomes below 0.00001; TOPMed below 0.00001.
gnomAD v4.1: 6 of 1,552,722 alleles (0.00039%); highest among the groups gnomAD compares: Non-Finnish European, 0.000087%; no homozygotes.

Submission:

Labcorp Genetics (formerly Invitae), Labcorp
Classification: Uncertain significance. Last evaluated: 2022-03-14. Review status: criteria provided, single submitter. Criteria: Invitae Variant Classification Sherloc (09022015). Collection method: clinical testing. Allele origin: germline.
Comment: In summary, the available evidence is currently insufficient to determine the role of this variant in disease. Therefore, it has been classified as a Variant of Uncertain Significance. Algorithms developed to predict the effect of missense changes on protein structure and function (SIFT, PolyPhen-2, Align-GVGD) all suggest that this variant is likely to be tolerated. This variant has not been reported in the literature in individuals affected with CNNM4-related conditions. This variant is not present in population databases (gnomAD no frequency). This sequence change replaces methionine, which is neutral and non-polar, with isoleucine, which is neutral and non-polar, at codon 642 of the CNNM4 protein (p.Met642Ile).